The following is an entry in ClinVar:

ClinVar aggregate classification (germline): Uncertain significance (1 of 4 stars; one submission).

Conditions:
Familial hemophagocytic lymphohistiocytosis 5. Also called: STXBP2-Related Familial Hemophagocytic Lymphohistiocytosis (STXBP2-fHLH). Identifiers: Orphanet 540, MedGen C2751293, MONDO:0013135, OMIM 613101.

Allele frequency attached by ClinVar (database versions not stated): gnomAD exomes below 0.00001.
gnomAD v4.1: 4 of 1,614,186 alleles (0.00025%); highest among the groups gnomAD compares: Middle Eastern, 0.016%; no homozygotes.

Submission:

Labcorp Genetics (formerly Invitae), Labcorp
Classification: Uncertain significance for Familial hemophagocytic lymphohistiocytosis 5. Last evaluated: 2018-09-27. Review status: criteria provided, single submitter. Criteria: Invitae Variant Classification Sherloc (09022015). Collection method: clinical testing. Allele origin: germline.
Comment: This sequence change affects codon 83 of the STXBP2 mRNA. It is a 'silent' change, meaning that it does not change the encoded amino acid sequence of the STXBP2 protein. This variant is not present in population databases (ExAC no frequency). This variant has not been reported in the literature in individuals with STXBP2-related disease. Algorithms developed to predict the effect of sequence changes on RNA splicing suggest that this variant may create or strengthen a splice site, but this prediction has not been confirmed by published transcriptional studies. In summary, the available evidence is currently insufficient to determine the role of this variant in disease. Therefore, it has been classified as a Variant of Uncertain Significance.

NM_006949.4(STXBP2):c.249G>A (p.Ser83=)

Gene: STXBP2 (syntaxin binding protein 2; plus strand). Cytogenetic location: 19p13.2.
Variant type: single nucleotide variant.
Coding change: c.249G>A on transcript NM_006949.4 (MANE Select); coding-DNA position 249, G replaced by A.
Protein change: p.Ser83=; no amino-acid change (serine 83 retained).
Molecular consequence: synonymous variant. On other transcripts: non-coding transcript variant (1), intron variant (1).
Genome position (GRCh38, 1-based): chr19:7,640,733, G>A. VCF-style: chr19-7640733-G-A. GRCh37 (hg19) VCF-style: chr19-7705619-G-A.
Other names: c.282G>A, p.Ser94= (NM_001272034.2); c.247-7G>A (NM_001127396.3).
Identifiers: ClinVar variation 654712 (VCV000654712.9), dbSNP rs1374023769, ClinGen allele CA505407740.